The following is an entry in ClinVar:

NM_018947.6(CYCS):c.154G>A (p.Ala52Thr)

Gene: CYCS (cytochrome c, somatic; minus strand). Cytogenetic location: 7p15.3.
Variant type: single nucleotide variant.
Coding change: c.154G>A on transcript NM_018947.6 (MANE Select); coding-DNA position 154, G replaced by A.
Protein change: p.Ala52Thr; replaces alanine 52 with threonine.
Molecular consequence: missense variant.
Genome position (GRCh38, 1-based): chr7:25,123,966, C>T on the plus strand (G>A on the coding strand, the complement: CYCS is on the minus strand). VCF-style: chr7-25123966-C-T. GRCh37 (hg19) VCF-style: chr7-25163585-C-T.
Other names: short protein forms A52T.
Identifiers: ClinVar variation 810076 (VCV000810076.48), dbSNP rs573366932, ClinGen allele CA4192839.

ClinVar aggregate classification (germline): Uncertain significance. Review status: criteria provided, multiple submitters, no conflicts (2 of 4 stars). 4 submissions from 4 submitters: Uncertain significance (3). 1 of the submissions does not count toward it. Last evaluated 2025-03-12.

Conditions:
Thrombocytopenia 4 (THC4). Also called: THROMBOCYTOPENIA, AUTOSOMAL DOMINANT, 4. Identifiers: Orphanet 268322, MedGen C2677608, MONDO:0012775, OMIM 612004.

Allele frequency attached by ClinVar (database versions not stated): ExAC 0.00001; gnomAD 0.00001; 1000 Genomes Project 30x 0.00016; 1000 Genomes Project 0.00020.

Submissions (4):

Revvity Omics, Revvity
Classification: Uncertain significance for Thrombocytopenia 4. Last evaluated: 2025-03-12. Review status: criteria provided, single submitter. Criteria: ACMG Guidelines, 2015. Collection method: clinical testing. Allele origin: germline.

Labcorp Genetics (formerly Invitae), Labcorp
Classification: Uncertain significance. Last evaluated: 2023-02-09. Review status: criteria provided, single submitter. Criteria: Invitae Variant Classification Sherloc (09022015). Collection method: clinical testing. Allele origin: germline.
Comment: This sequence change replaces alanine, which is neutral and non-polar, with threonine, which is neutral and polar, at codon 52 of the CYCS protein (p.Ala52Thr). This variant is present in population databases (rs573366932, gnomAD 0.0009%). This variant has not been reported in the literature in individuals affected with CYCS-related conditions. ClinVar contains an entry for this variant (Variation ID: 810076). Algorithms developed to predict the effect of missense changes on protein structure and function are either unavailable or do not agree on the potential impact of this missense change (SIFT: "Deleterious"; PolyPhen-2: "Benign"; Align-GVGD: "Class C0"). In summary, the available evidence is currently insufficient to determine the role of this variant in disease. Therefore, it has been classified as a Variant of Uncertain Significance.

CeGaT Center for Human Genetics Tuebingen
Classification: Uncertain significance. Last evaluated: 2019-10-01. Review status: criteria provided, single submitter. Criteria: CeGaT Center For Human Genetics Tuebingen Variant Classification Criteria Version 2. Collection method: clinical testing. Allele origin: germline. Affected: yes. Observed: 3 variant alleles.

ISTH-SSC Genomics in Thrombosis and Hemostasis, KU Leuven, Center for Molecular and Vascular Biology
Classification: Uncertain significance for Thrombocytopenia 4. Review status: no assertion criteria provided. Collection method: research. Allele origin: unknown. Affected: yes. Not counted in ClinVar's aggregate classification.
Comment: Submitted to GoldVariant by Dr Karyn Mégy from NIHR Bioresource - Cambridge University, UK